The following is an entry in ClinVar:

NM_000257.4(MYH7):c.967A>G (p.Ile323Val)

Gene: MYH7 (myosin heavy chain 7; minus strand). Cytogenetic location: 14q11.2.
Variant type: single nucleotide variant.
Coding change: c.967A>G on transcript NM_000257.4 (MANE Select); coding-DNA position 967, A replaced by G.
Protein change: p.Ile323Val; replaces isoleucine 323 with valine.
Molecular consequence: missense variant.
Genome position (GRCh38, 1-based): chr14:23,430,592, T>C on the plus strand (A>G on the coding strand, the complement: MYH7 is on the minus strand). VCF-style: chr14-23430592-T-C. GRCh37 (hg19) VCF-style: chr14-23899801-T-C.
Other names: p.I323V:ATT>GTT; c.967A>G (LRG_384t1); short protein forms I323V.
Identifiers: ClinVar variation 181331 (VCV000181331.10), dbSNP rs730880860, ClinGen allele CA017017.

ClinVar aggregate classification (germline): Uncertain significance. Review status: criteria provided, multiple submitters, no conflicts (2 of 4 stars). 4 submissions from 4 submitters: Uncertain significance (4). Last evaluated 2023-10-02.

Conditions:
Cardiomyopathy (CMYO). Also called: Cardiomyopathies. Identifiers: Orphanet 167848, MedGen C0878544, MONDO:0004994, HP:0001638. Inheritance: Various modes of inheritance.
Hypertrophic cardiomyopathy. Also called: HYPERTROPHIC MYOCARDIOPATHY. Identifiers: Orphanet 217569, MedGen C0007194, MeSH D002312, MONDO:0005045, HP:0001639.

Allele frequency attached by ClinVar (database versions not stated): gnomAD exomes below 0.00001.
gnomAD v4.1: 1 of 1,614,122 alleles (0.000062%); highest among the groups gnomAD compares: Non-Finnish European, 0.000085%; no homozygotes.

Submissions (4):

All of Us Research Program, National Institutes of Health
Classification: Uncertain significance for Cardiomyopathy. Last evaluated: 2023-10-02. Review status: criteria provided, single submitter. Criteria: ACMG Guidelines, 2015. Collection method: clinical testing. Allele origin: germline. Inheritance: Autosomal dominant inheritance. Observed: 1 variant allele, 1 heterozygote.
Comment: This missense variant replaces isoleucine with valine at codon 323 of the MYH7 protein. Computational prediction suggests that this variant may not impact protein structure and function (internally defined REVEL score threshold <= 0.5, PMID: 27666373). To our knowledge, functional studies have not been reported for this variant. This variant has not been reported in individuals affected with MYH7-related disorders in the literature. This variant has not been identified in the general population by the Genome Aggregation Database (gnomAD). The available evidence is insufficient to determine the role of this variant in disease conclusively. Therefore, this variant is classified as a Variant of Uncertain Significance.

This study involves interpretation of variants in research participants for the purpose of population health screening. Participant phenotype was not available at the time of variant classification. Additional details can be found in publication PMID: 35346344, PMCID: PMC8962531

Color Diagnostics, LLC DBA Color Health
Classification: Uncertain significance for Cardiomyopathy. Last evaluated: 2023-09-08. Review status: criteria provided, single submitter. Criteria: ACMG Guidelines, 2015. Collection method: clinical testing. Allele origin: germline.
Comment: This missense variant replaces isoleucine with valine at codon 323 of the MYH7 protein. Computational prediction suggests that this variant may not impact protein structure and function (internally defined REVEL score threshold <= 0.5, PMID: 27666373). To our knowledge, functional studies have not been reported for this variant. This variant has not been reported in individuals affected with MYH7-related disorders in the literature. This variant has not been identified in the general population by the Genome Aggregation Database (gnomAD). The available evidence is insufficient to determine the role of this variant in disease conclusively. Therefore, this variant is classified as a Variant of Uncertain Significance.

Labcorp Genetics (formerly Invitae), Labcorp
Classification: Uncertain significance for Hypertrophic cardiomyopathy. Last evaluated: 2023-08-16. Review status: criteria provided, single submitter. Criteria: Invitae Variant Classification Sherloc (09022015). Collection method: clinical testing. Allele origin: germline.
Comment: In summary, the available evidence is currently insufficient to determine the role of this variant in disease. Therefore, it has been classified as a Variant of Uncertain Significance. Advanced modeling of protein sequence and biophysical properties (such as structural, functional, and spatial information, amino acid conservation, physicochemical variation, residue mobility, and thermodynamic stability) has been performed at Invitae for this missense variant, however the output from this modeling did not meet the statistical confidence thresholds required to predict the impact of this variant on MYH7 protein function. ClinVar contains an entry for this variant (Variation ID: 181331). This variant has not been reported in the literature in individuals affected with MYH7-related conditions. This variant is not present in population databases (gnomAD no frequency). This sequence change replaces isoleucine, which is neutral and non-polar, with valine, which is neutral and non-polar, at codon 323 of the MYH7 protein (p.Ile323Val).

GeneDx
Classification: Uncertain significance. Last evaluated: 2013-03-19. Review status: criteria provided, single submitter. Criteria: GeneDx Variant Classification (06012015). Collection method: clinical testing. Allele origin: germline. Affected: yes.
Comment: p.Ile323Val (ATT>GTT): c.967 A>G in exon 11 of the MYH7 gene (NM_000257.2). The Ile323Val variant in the MYH7 gene has not been reported as a disease-causing mutation or as a benign polymorphism to our knowledge. Although, Ile323Val results in a conservative amino acid substitution of one non-polar amino acid with another, it occurs at a position that is conserved across species. Mutations in nearby residues (Val320Met, Ser322Phe, Ala326Pro) have been reported in association with cardiomyopathy, further supporting the functional importance of this region of the protein. The Ile323Val variant was not observed in approximately 6,500 individuals of European and African American ancestry in the NHLBI Exome Sequencing Project, indicating it is not a common benign variant in these populations. However, in silico analysis predicts Ile323Val is benign to the protein structure/function.With the clinical and molecular information available at this time, we cannot definitively determine if Ile323Val is a disease-causing mutation or a rare benign variant. The variant is found in HCM panel(s).